The following is an entry in ClinVar:

ClinVar aggregate classification (germline): Likely benign. Review status: criteria provided, multiple submitters, no conflicts (2 of 4 stars). 2 submissions from 2 submitters: Likely benign (2). Last evaluated 2023-11-01.

Conditions:
Cardiovascular phenotype. Identifiers: MedGen CN230736.

Allele frequency attached by ClinVar (database versions not stated): ExAC 0.00001; gnomAD exomes 0.00001; gnomAD 0.00003.
gnomAD v4.1: 24 of 1,613,088 alleles (0.0015%); highest among the groups gnomAD compares: African/African-American, 0.0093%; no homozygotes.

Submissions (2):

CeGaT Center for Human Genetics Tuebingen
Classification: Likely benign. Last evaluated: 2023-11-01. Review status: criteria provided, single submitter. Criteria: CeGaT Center For Human Genetics Tuebingen Variant Classification Criteria Version 2. Collection method: clinical testing. Allele origin: germline. Affected: yes. Observed: 1 variant allele.
Comment: TNXB: BP4, BP7

Ambry Genetics
Classification: Likely benign for Cardiovascular phenotype. Last evaluated: 2019-10-20. Review status: criteria provided, single submitter. Criteria: Ambry Variant Classification Scheme 2023. Collection method: clinical testing. Allele origin: germline.

NM_001365276.2(TNXB):c.8511A>G (p.Thr2837=)

Gene: TNXB (tenascin XB; minus strand). Cytogenetic location: 6p21.33.
Variant type: single nucleotide variant.
Coding change: c.8511A>G on transcript NM_001365276.2 (MANE Select); coding-DNA position 8511, A replaced by G.
Protein change: p.Thr2837=; no amino-acid change (threonine 2837 retained).
Molecular consequence: synonymous variant.
Genome position (GRCh38, 1-based): chr6:32,053,668, T>C on the plus strand (A>G on the coding strand, the complement: TNXB is on the minus strand). VCF-style: chr6-32053668-T-C. GRCh37 (hg19) VCF-style: chr6-32021445-T-C.
Other names: c.8505A>G, p.Thr2835= (NM_019105.8).
Identifiers: ClinVar variation 1763665 (VCV001763665.25), dbSNP rs781197347, ClinGen allele CA3733812.